The following is an entry in ClinVar:

ClinVar aggregate classification (germline): Uncertain significance (1 of 4 stars; one submission).

Conditions:
Familial thoracic aortic aneurysm and aortic dissection (TAAD). Also called: Thoracic aortic aneurysms and dissections. Identifiers: Orphanet 91387, MedGen C4707243, MONDO:0019625.

Submission:

Labcorp Genetics (formerly Invitae), Labcorp
Classification: Uncertain significance for Familial thoracic aortic aneurysm and aortic dissection. Last evaluated: 2025-06-10. Review status: criteria provided, single submitter. Criteria: Invitae Variant Classification Sherloc (09022015). Collection method: clinical testing. Allele origin: germline.
Comment: This sequence change replaces serine, which is neutral and polar, with leucine, which is neutral and non-polar, at codon 165 of the TGFBR1 protein (p.Ser165Leu). This variant is not present in population databases (gnomAD no frequency). This variant has not been reported in the literature in individuals affected with TGFBR1-related conditions. Invitae Evidence Modeling of protein sequence and biophysical properties (such as structural, functional, and spatial information, amino acid conservation, physicochemical variation, residue mobility, and thermodynamic stability) indicates that this missense variant is not expected to disrupt TGFBR1 protein function with a negative predictive value of 95%. In summary, the available evidence is currently insufficient to determine the role of this variant in disease. Therefore, it has been classified as a Variant of Uncertain Significance.

NM_004612.4(TGFBR1):c.494C>T (p.Ser165Leu)

Gene: TGFBR1 (transforming growth factor beta receptor 1; plus strand). Cytogenetic location: 9q22.33.
Variant type: single nucleotide variant.
Coding change: c.494C>T on transcript NM_004612.4 (MANE Select); coding-DNA position 494, C replaced by T.
Protein change: p.Ser165Leu; replaces serine 165 with leucine.
Molecular consequence: missense variant. On other transcripts: non-coding transcript variant (4), intron variant (3).
Genome position (GRCh38, 1-based): chr9:99,132,659, C>T. VCF-style: chr9-99132659-C-T. GRCh37 (hg19) VCF-style: chr9-101894941-C-T.
Other names: c.506C>T, p.Ser169Leu (NM_001306210.2, NM_001407416.1); c.494C>T, p.Ser165Leu (NM_001407417.1, NM_001407435.1); c.299C>T, p.Ser100Leu (NM_001407418.1, NM_001407419.1, NM_001407420.1 and 1 more transcripts); c.287C>T, p.Ser96Leu (NM_001407423.1, NM_001407424.1, NM_001407425.1 and 8 more transcripts); c.248C>T, p.Ser83Leu (NM_001407436.1); c.343+3559C>T (NM_001130916.3); c.98-5200C>T (NM_001407438.1); c.98-9877C>T (NM_001407437.1); short protein forms S100L, S165L, S169L, S83L, S96L.
Identifiers: ClinVar variation 4802228 (VCV004802228.1).